The following is an entry in ClinVar:

NM_001360.3(DHCR7):c.347A>G (p.Asp116Gly)

Gene: DHCR7 (7-dehydrocholesterol reductase; minus strand). Cytogenetic location: 11q13.4.
Variant type: single nucleotide variant.
Coding change: c.347A>G on transcript NM_001360.3 (MANE Select); coding-DNA position 347, A replaced by G.
Protein change: p.Asp116Gly; replaces aspartic acid 116 with glycine.
Molecular consequence: missense variant.
Genome position (GRCh38, 1-based): chr11:71,442,328, T>C on the plus strand (A>G on the coding strand, the complement: DHCR7 is on the minus strand). VCF-style: chr11-71442328-T-C. GRCh37 (hg19) VCF-style: chr11-71153374-T-C.
Other names: c.347A>G, p.Asp116Gly (NM_001163817.2); short protein forms D116G.
Identifiers: ClinVar variation 1731818 (VCV001731818.2), dbSNP rs1949358044, ClinGen allele CA381695102.

ClinVar aggregate classification (germline): Uncertain significance (1 of 4 stars; one submission).

Conditions:
Inborn genetic diseases. Identifiers: MedGen C0950123, MeSH D030342.

Allele frequency attached by ClinVar (database versions not stated): TOPMed below 0.00001.

Submission:

Ambry Genetics
Classification: Uncertain significance for Inborn genetic diseases. Last evaluated: 2018-01-05. Review status: criteria provided, single submitter. Criteria: Ambry Variant Classification Scheme 2023. Collection method: clinical testing. Allele origin: germline.
Comment: The p.D116G variant (also known as c.347A>G), located in coding exon 3 of the DHCR7 gene, results from an A to G substitution at nucleotide position 347. The aspartic acid at codon 116 is replaced by glycine, an amino acid with similar properties. This amino acid position is highly conserved in available vertebrate species. In addition, this alteration is predicted to be deleterious by in silico analysis. Since supporting evidence is limited at this time, the clinical significance of this alteration remains unclear.